The following is an entry in ClinVar:

ClinVar aggregate classification (germline): Uncertain significance. Review status: criteria provided, multiple submitters, no conflicts (2 of 4 stars). 3 submissions from 3 submitters: Uncertain significance (3). Last evaluated 2025-04-11.

Conditions:
Inborn genetic diseases. Identifiers: MedGen C0950123, MeSH D030342.
Cranioectodermal dysplasia 1 (CED1). Also called: LEVIN SYNDROME I. Identifiers: Orphanet 1515, MedGen C0432235, MONDO:0021093, OMIM 218330.

Allele frequency attached by ClinVar (database versions not stated): ExAC 0.00004; ESP Exome Variant Server 0.00008; gnomAD 0.00009; TOPMed 0.00015; 1000 Genomes Project 30x 0.00016; 1000 Genomes Project 0.00020.
gnomAD v4.1: 65 of 1,608,698 alleles (0.004%); highest among the groups gnomAD compares: African/African-American, 0.024%; no homozygotes.

Submissions (3):

Ambry Genetics
Classification: Uncertain significance for Inborn genetic diseases. Last evaluated: 2025-04-11. Review status: criteria provided, single submitter. Criteria: Ambry Variant Classification Scheme 2023. Collection method: clinical testing. Allele origin: germline.

Blueprint Genetics
Classification: Uncertain significance. Last evaluated: 2024-10-23. Review status: criteria provided, single submitter. Criteria: ACMG Guidelines, 2015. Collection method: clinical testing. Allele origin: germline.

Labcorp Genetics (formerly Invitae), Labcorp
Classification: Uncertain significance for Cranioectodermal dysplasia 1. Last evaluated: 2022-05-03. Review status: criteria provided, single submitter. Criteria: Invitae Variant Classification Sherloc (09022015). Collection method: clinical testing. Allele origin: germline.
Comment: This sequence change replaces arginine, which is basic and polar, with cysteine, which is neutral and slightly polar, at codon 849 of the IFT122 protein (p.Arg849Cys). This variant is present in population databases (rs138138714, gnomAD 0.02%). This variant has not been reported in the literature in individuals affected with IFT122-related conditions. Algorithms developed to predict the effect of missense changes on protein structure and function (SIFT, PolyPhen-2, Align-GVGD) all suggest that this variant is likely to be disruptive. In summary, the available evidence is currently insufficient to determine the role of this variant in disease. Therefore, it has been classified as a Variant of Uncertain Significance.

NM_052989.3(IFT122):c.2392C>T (p.Arg798Cys)

Gene: IFT122 (intraflagellar transport 122; plus strand). Cytogenetic location: 3q22.1.
Variant type: single nucleotide variant.
Coding change: c.2392C>T on transcript NM_052989.3 (MANE Select); coding-DNA position 2392, C replaced by T.
Protein change: p.Arg798Cys; replaces arginine 798 with cysteine.
Molecular consequence: missense variant.
Genome position (GRCh38, 1-based): chr3:129,502,727, C>T. VCF-style: chr3-129502727-C-T. GRCh37 (hg19) VCF-style: chr3-129221570-C-T.
Other names: c.2368C>T, p.Arg790Cys (NM_001280541.2); c.1942C>T, p.Arg648Cys (NM_001280545.2); c.1765C>T, p.Arg589Cys (NM_001280546.2); c.2392C>T, p.Arg798Cys (NM_001410808.1); c.2338C>T, p.Arg780Cys (NM_001410809.1); c.2215C>T, p.Arg739Cys (NM_001410810.1, NM_018262.4); c.2161C>T, p.Arg721Cys (NM_001410811.1, NM_001410813.1); c.2059C>T, p.Arg687Cys (NM_001410815.1, NM_052990.3); and 2 more; short protein forms R849C, R687C, R721C, R739C, R790C, R780C, R589C, R648C.
Identifiers: ClinVar variation 2080027 (VCV002080027.4), dbSNP rs138138714, ClinGen allele CA2606509.
Genomic context (GRCh38, chr3:129,502,727, plus strand): 5'-CAAGACCCAGAGCCCACCCTCCTACCTGCCCCTTCCCTCTCCAGGTTGATCGACATCGCC[C>T]GCAAACTGGACAAGGCTGAGCGCGAGCCCCTGCTGCTGTGCGCTACCTACCTCAAGAAGC-3'
Protein context (NP_443715.1, residues 788-808): GWVDMLIDIA[Arg798Cys]KLDKAEREPL